The following is an entry in ClinVar:

ClinVar aggregate classification (germline): Uncertain significance (1 of 4 stars; one submission).

Conditions:
Familial focal epilepsy with variable foci (FPEVF). Identifiers: Orphanet 98820, MedGen C1858477, MONDO:0020310.

Submission:

Labcorp Genetics (formerly Invitae), Labcorp
Classification: Uncertain significance for Familial focal epilepsy with variable foci. Last evaluated: 2020-09-23. Review status: criteria provided, single submitter. Criteria: Invitae Variant Classification Sherloc (09022015). Collection method: clinical testing. Allele origin: germline.
Comment: This variant results in a copy number gain of the genomic region encompassing exon(s) 2-3 of the DEPDC5 gene, which includes the initiator codon. The 5' end of this event is unknown as it extends beyond the assayed region for this gene and therefore may encompass additional genes. The 3' boundary is likely confined to intron 3 of the DEPDC5 gene. As the precise location of this event is unknown, it may be in tandem or it may be located elsewhere in the genome. This variant has not been reported in the literature in individuals with DEPDC5-related conditions. In summary, the available evidence is currently insufficient to determine the role of this variant in disease. Therefore, it has been classified as a Variant of Uncertain Significance.

NC_000022.10:g.(?_32150888)_(32154639_?)dup

Gene: DEPDC5 (DEP domain containing 5, GATOR1 subcomplex subunit; plus strand). Cytogenetic location: 22q12.2.
Variant type: Duplication.
Identifiers: ClinVar variation 1022723 (VCV001022723.1).